The following is an entry in ClinVar:

NM_000371.4(TTR):c.65del (p.Pro22fs)

Gene: TTR (transthyretin; plus strand). Cytogenetic location: 18q12.1.
Variant type: Deletion.
Coding change: c.65del on transcript NM_000371.4 (MANE Select); coding-DNA position 65, one base deleted (C; older notation c.65delC).
Protein change: p.Pro22fs; shifts the reading frame from proline 22.
Molecular consequence: frameshift variant.
Genome position (GRCh38, 1-based): chr18:31,591,967, C deleted; the last of 3 consecutive C bases (chr18:31,591,965-31,591,967); deleting any one gives the same sequence. VCF-style (leftmost placement, unchanged base first): chr18-31591964-GC-G. GRCh37 (hg19) VCF-style: chr18-29171927-GC-G.
Other names: short protein forms P22fs.
Identifiers: ClinVar variation 2119686 (VCV002119686.4), dbSNP rs2510932013, ClinGen allele CA2580095585.

ClinVar aggregate classification (germline): Uncertain significance (1 of 4 stars; one submission).

Conditions:
Amyloidosis, hereditary systemic 1 (AMYLD1). Also called: Hereditary Transthyretin Amyloidosis; Familial amyloid polyneuropathy; Transthyretin Amyloidosis; Isolated Cardiac Amyloidosis; Amyloid Cardiomyopathy, Transthyretin-related; Hereditary oculoleptomeningeal amyloid angiopathy. Identifiers: Orphanet 85447, Orphanet 85451, MedGen C2751492, MONDO:0971004, OMIM 105210.

Submission:

Labcorp Genetics (formerly Invitae), Labcorp
Classification: Uncertain significance for Amyloidosis, hereditary systemic 1. Last evaluated: 2022-10-24. Review status: criteria provided, single submitter. Criteria: Invitae Variant Classification Sherloc (09022015). Collection method: clinical testing. Allele origin: germline.
Comment: In summary, the available evidence is currently insufficient to determine the role of this variant in disease. Therefore, it has been classified as a Variant of Uncertain Significance. This variant has not been reported in the literature in individuals affected with TTR-related conditions. This variant is not present in population databases (gnomAD no frequency). This sequence change creates a premature translational stop signal (p.Pro22Leufs*11) in the TTR gene. It is expected to result in an absent or disrupted protein product. However, the current clinical and genetic evidence is not sufficient to establish whether loss-of-function variants in TTR cause disease.